The following is an entry in ClinVar:

NM_139076.3(ABRAXAS1):c.1202G>T (p.Gly401Val)

Gene: ABRAXAS1 (abraxas 1, BRCA1 A complex subunit; minus strand). Cytogenetic location: 4q21.23.
Variant type: single nucleotide variant.
Coding change: c.1202G>T on transcript NM_139076.3 (MANE Select); coding-DNA position 1202, G replaced by T.
Protein change: p.Gly401Val; replaces glycine 401 with valine.
Molecular consequence: missense variant.
Genome position (GRCh38, 1-based): chr4:83,462,497, C>A on the plus strand (G>T on the coding strand, the complement: ABRAXAS1 is on the minus strand). VCF-style: chr4-83462497-C-A. GRCh37 (hg19) VCF-style: chr4-84383650-C-A.
Other names: c.875G>T, p.Gly292Val (NM_001345962.2); short protein forms G292V, G401V.
Identifiers: ClinVar variation 4185175 (VCV004185175.1).

ClinVar aggregate classification (germline): Uncertain significance (1 of 4 stars; one submission).

Submission:

Ambry Genetics
Classification: Uncertain significance. Last evaluated: 2025-07-07. Review status: criteria provided, single submitter. Criteria: Ambry Variant Classification Scheme 2023. Collection method: clinical testing. Allele origin: germline.
Comment: The p.G401V variant (also known as c.1202G>T), located in coding exon 9 of the FAM175A gene, results from a G to T substitution at nucleotide position 1202. The glycine at codon 401 is replaced by valine, an amino acid with dissimilar properties. This amino acid position is conserved. In addition, this alteration is predicted to be tolerated by in silico analysis. Based on the available evidence, the clinical significance of this variant remains unclear.